The following is an entry in ClinVar:

NM_001164508.2(NEB):c.24672+1G>C

Genes: NEB (nebulin; minus strand), RIF1 (replication timing regulatory factor 1; plus strand). Cytogenetic location: 2q23.3.
Variant type: single nucleotide variant.
Coding change: c.24672+1G>C on transcript NM_001164508.2 (MANE Select); the canonical splice donor site of the intron after coding-DNA position 24672, G replaced by C.
Molecular consequence: splice donor variant.
Genome position (GRCh38, 1-based): chr2:151,493,774, C>G on the plus strand (G>C on the coding strand, the complement: NEB is on the minus strand). VCF-style: chr2-151493774-C-G. GRCh37 (hg19) VCF-style: chr2-152350288-C-G.
Other names: c.24672+1G>C (NM_001164507.2); c.24777+1G>C (NM_001271208.2); c.19104+1G>C (NM_004543.5).
Identifiers: ClinVar variation 2132517 (VCV002132517.4), dbSNP rs1309221065, ClinGen allele CA348775176.

ClinVar aggregate classification (germline): Likely pathogenic (1 of 4 stars; one submission).

Conditions:
Nemaline myopathy 2 (NEM2). Also called: Nemaline myopathy 2, autosomal recessive. Identifiers: MedGen C1850569, MONDO:0009725, OMIM 256030.

Submission:

Labcorp Genetics (formerly Invitae), Labcorp
Classification: Likely pathogenic for Nemaline myopathy 2. Last evaluated: 2022-05-01. Review status: criteria provided, single submitter. Criteria: Invitae Variant Classification Sherloc (09022015). Collection method: clinical testing. Allele origin: germline.
Comment: This variant has not been reported in the literature in individuals affected with NEB-related conditions. This variant is not present in population databases (gnomAD no frequency). This sequence change affects a donor splice site in intron 176 of the NEB gene. It is expected to disrupt RNA splicing. Variants that disrupt the donor or acceptor splice site typically lead to a loss of protein function (PMID: 16199547), and loss-of-function variants in NEB are known to be pathogenic (PMID: 25205138). Algorithms developed to predict the effect of sequence changes on RNA splicing suggest that this variant may disrupt the consensus splice site. In summary, the currently available evidence indicates that the variant is pathogenic, but additional data are needed to prove that conclusively. Therefore, this variant has been classified as Likely Pathogenic.

Literature cited by the submitters: PubMed 16199547; PubMed 25205138.